The following is an entry in ClinVar:

ClinVar aggregate classification (germline): Uncertain significance (1 of 4 stars; one submission).

gnomAD v4.1: 361 of 1,613,364 alleles (0.022%); highest among the groups gnomAD compares: Middle Eastern, 0.15%; no homozygotes.

Submissions (2):

GeneDx
Classification: Uncertain significance. Last evaluated: 2024-08-19. Review status: criteria provided, single submitter. Criteria: GeneDx Variant Classification Process June 2021. Collection method: clinical testing. Allele origin: germline. Affected: yes.
Comment: In silico analysis indicates that this missense variant does not alter protein structure/function; Has not been previously published as pathogenic or benign to our knowledge

Dr. Peter K. Rogan Lab, Western University
No classification provided (evidence only). Condition: Colorectal cancer. Review status: no classification provided. Collection method: in vitro. Allele origin: not applicable. Functional consequence: skipped exon, retained intron. Not counted in ClinVar's aggregate classification.

NM_001064.4(TKT):c.746C>T (p.Thr249Met)

Gene: TKT (transketolase; minus strand). Cytogenetic location: 3p21.1.
Variant type: single nucleotide variant.
Coding change: c.746C>T on transcript NM_001064.4 (MANE Select); coding-DNA position 746, C replaced by T.
Protein change: p.Thr249Met; replaces threonine 249 with methionine.
Molecular consequence: missense variant. On other transcripts: non-coding transcript variant (1).
Genome position (GRCh38, 1-based): chr3:53,233,158, G>A on the plus strand (C>T on the coding strand, the complement: TKT is on the minus strand). VCF-style: chr3-53233158-G-A. GRCh37 (hg19) VCF-style: chr3-53267174-G-A.
Other names: NC_000003.11:g.53267174G>A; c.746C>T, p.Thr249Met (NM_001135055.3); c.770C>T, p.Thr257Met (NM_001258028.2); short protein forms T249M, T257M.
Identifiers: ClinVar variation 3764165 (VCV003764165.2).